The following is an entry in ClinVar:

NM_001354604.2(MITF):c.104+24178G>A

Gene: MITF (melanocyte inducing transcription factor; plus strand). Cytogenetic location: 3p13.
Variant type: single nucleotide variant.
Coding change: c.104+24178G>A on transcript NM_001354604.2 (MANE Select); 24178 bases into the intron after coding-DNA position 104, G replaced by A.
Molecular consequence: intron variant. On other transcripts: missense variant (1).
Genome position (GRCh38, 1-based): chr3:69,763,879, G>A. VCF-style: chr3-69763879-G-A. GRCh37 (hg19) VCF-style: chr3-69813030-G-A.
Other names: c.38G>A, p.Arg13Gln (NM_006722.3); c.-77+24178G>A (NM_001354607.2); c.-92+24178G>A (NM_001354608.2); c.104+24178G>A (NM_198159.3, NM_001354605.2, NM_001354606.2); c.-53+187G>A (NM_001184967.2); short protein forms R13Q.
Identifiers: ClinVar variation 4813161 (VCV004813161.2).
Genomic context (GRCh38, chr3:69,763,879, plus strand): 5'-TTCCGCTCCATCTCTGAAGTCAAATGGGACACCTTGAAAATACTTCAGTGGTTTTCCCAC[G>A]AGCTATTTTCTCTCTCTGTGAAAAGGAAACCAGGAAATTGACTCTGTGCCTGTTTTCAAG-3'

ClinVar aggregate classification (germline): Uncertain significance (1 of 4 stars; one submission).

Conditions:
Melanoma, cutaneous malignant, susceptibility to, 8. Also called: MELANOMA AND RENAL CELL CARCINOMA, SUSCEPTIBILITY TO; Cutaneous malignant melanoma 8. Identifiers: Orphanet 293822, MedGen C3152204, MONDO:0013759, OMIM 614456.

gnomAD v4.1: 4 of 1,378,954 alleles (0.00029%); highest among the groups gnomAD compares: Non-Finnish European, 0.00029%; no homozygotes.

Submission:

St. Jude Molecular Pathology, St. Jude Children's Research Hospital
Classification: Uncertain significance for Melanoma, cutaneous malignant, susceptibility to, 8. Last evaluated: 2026-10-01. Review status: criteria provided, single submitter. Criteria: St. Jude Assertion Criteria 2020. Collection method: clinical testing. Allele origin: germline.
Comment: The MITF c.38G>A p.(Arg13Gln) missense change has a maximum population frequency of 0.0012% in gnomAD v2.1.1. The in silico tool REVEL predicts a benign effect on protein function, but to our knowledge this prediction has not been confirmed by functional studies. To our knowledge, this variant has not been reported in the literature in individuals with melanoma or renal cell carcinoma. In summary, the evidence currently available is insufficient to determine the clinical significance of this variant. It has therefore been classified as of uncertain significance.